The following is an entry in ClinVar:

NM_000059.4(BRCA2):c.7825G>A (p.Gly2609Ser)

Gene: BRCA2 (BRCA2 DNA repair associated; plus strand). Cytogenetic location: 13q13.1.
Variant type: single nucleotide variant.
Coding change: c.7825G>A on transcript NM_000059.4 (MANE Select); coding-DNA position 7825, G replaced by A.
Protein change: p.Gly2609Ser; replaces glycine 2609 with serine.
Molecular consequence: missense variant. On other transcripts: non-coding transcript variant (1).
Genome position (GRCh38, 1-based): chr13:32,362,542, G>A. VCF-style: chr13-32362542-G-A. GRCh37 (hg19) VCF-style: chr13-32936679-G-A.
Other names: c.7729G>A, p.Gly2577Ser (NM_001406719.1); c.7825G>A, p.Gly2609Ser (NM_001406720.1); c.2893G>A, p.Gly965Ser (NM_001406721.1); c.1408G>A, p.Gly470Ser (NM_001406722.1); short protein forms G2577S, G2609S, G470S, G965S.
Identifiers: ClinVar variation 2736007 (VCV002736007.4), dbSNP rs2137576525, ClinGen allele CA387746996.

ClinVar aggregate classification (germline): Uncertain significance. Review status: criteria provided, multiple submitters, no conflicts (2 of 4 stars). 2 submissions from 2 submitters: Uncertain significance (2). Last evaluated 2023-08-07.

Conditions:
Hereditary breast ovarian cancer syndrome. Also called: Hereditary breast and ovarian cancer syndrome; Breast and ovarian cancer; Hereditary breast and/or ovarian cancer syndrome; Hereditary breast and ovarian cancer; Hereditary breast and ovarian cancer syndrome (HBOC); BRCA1- and BRCA2-Associated Hereditary Breast and Ovarian Cancer. Identifiers: Orphanet 145, MedGen C0677776, MeSH D061325, MONDO:0003582. Disease mechanism: loss of function.
Breast-ovarian cancer, familial, susceptibility to, 2 (BROVCA2). Also called: BRCA2 Hereditary Breast and Ovarian Cancer. Identifiers: Orphanet 145, MedGen C2675520, MONDO:0012933, OMIM 612555. Disease mechanism: loss of function.

Submissions (2):

Labcorp Genetics (formerly Invitae), Labcorp
Classification: Uncertain significance for Hereditary breast ovarian cancer syndrome. Last evaluated: 2023-08-07. Review status: criteria provided, single submitter. Criteria: Invitae Variant Classification Sherloc (09022015). Collection method: clinical testing. Allele origin: germline.
Comment: In summary, the available evidence is currently insufficient to determine the role of this variant in disease. Therefore, it has been classified as a Variant of Uncertain Significance. This variant disrupts the p.Gly2609 amino acid residue in BRCA2. Other variant(s) that disrupt this residue have been determined to be pathogenic (PMID: 21990134, 23108138, 29394989, 29884841, 29988080). This suggests that this residue is clinically significant, and that variants that disrupt this residue are likely to be disease-causing. Advanced modeling of protein sequence and biophysical properties (such as structural, functional, and spatial information, amino acid conservation, physicochemical variation, residue mobility, and thermodynamic stability) has been performed at Invitae for this missense variant, however the output from this modeling did not meet the statistical confidence thresholds required to predict the impact of this variant on BRCA2 protein function. This variant is not present in population databases (gnomAD no frequency). This missense change has been observed in individual(s) with breast and/or ovarian cancer (PMID: 27062684). This sequence change replaces glycine, which is neutral and non-polar, with serine, which is neutral and polar, at codon 2609 of the BRCA2 protein (p.Gly2609Ser).

All of Us Research Program, National Institutes of Health
Classification: Uncertain significance for Breast-ovarian cancer, familial, susceptibility to, 2. Last evaluated: 2023-03-23. Review status: criteria provided, single submitter. Criteria: ACMG Guidelines, 2015. Collection method: clinical testing. Allele origin: germline. Inheritance: Autosomal dominant inheritance. Observed: 1 variant allele, 1 heterozygote.
Comment: This missense variant replaces glycine with serine at codon 2609 of the BRCA2 protein. Computational prediction suggests that this variant may have deleterious impact on protein structure and function (internally defined REVEL score threshold >= 0.7, PMID: 27666373). To our knowledge, functional studies have not been reported for this variant. This variant has not been reported in individuals affected with BRCA2-related disorders in the literature. This variant has not been identified in the general population by the Genome Aggregation Database (gnomAD). The available evidence is insufficient to determine the role of this variant in disease conclusively. Therefore, this variant is classified as a Variant of Uncertain Significance.

This study involves interpretation of variants in research participants for the purpose of population health screening. Participant phenotype was not available at the time of variant classification. Additional details can be found in publication PMID: 35346344, PMCID: PMC8962531

Literature cited by the submitters: PubMed 21990134 (cited by Labcorp Genetics (formerly Invitae), Labcorp); PubMed 23108138 (cited by Labcorp Genetics (formerly Invitae), Labcorp); PubMed 29394989 (cited by Labcorp Genetics (formerly Invitae), Labcorp); PubMed 29884841 (cited by Labcorp Genetics (formerly Invitae), Labcorp); PubMed 29988080 (cited by Labcorp Genetics (formerly Invitae), Labcorp); PubMed 27062684 (cited by Labcorp Genetics (formerly Invitae), Labcorp).